The following is an entry in ClinVar:

ClinVar aggregate classification (germline): Conflicting classifications of pathogenicity. Review status: criteria provided, conflicting classifications (1 of 4 stars). 2 submissions from 2 submitters: Uncertain significance (1); Benign (1). Last evaluated 2025-07-14.

Conditions:
Oto-palato-digital syndrome, type II (OPD2). Also called: FACIOPALATOOSSEOUS SYNDROME; OPD II SYNDROME; Otopalatodigital Syndrome, Type II; Otopalatodigital Syndrome Type 2 (FLNA-OPD2). Identifiers: Orphanet 669, Orphanet 90652, MedGen C1844696, MONDO:0010571, OMIM 304120.
Heterotopia, periventricular, X-linked dominant (PVNH1). Also called: PERIVENTRICULAR NODULAR HETEROTOPIA 1; X-linked periventricular heterotopia; PERIVENTRICULAR NODULAR HETEROTOPIA 4; HETEROTOPIA, PERIVENTRICULAR, 1. Identifiers: Orphanet 2149, Orphanet 82004, MedGen C1848213, MONDO:0010233, OMIM 300049.
Frontometaphyseal dysplasia (FMD1). Identifiers: Orphanet 1826, MedGen C0265293, MONDO:0015942.
Melnick-Needles syndrome (MNS). Also called: MELNICK-NEEDLES OSTEODYSPLASTY; OSTEODYSPLASTY OF MELNICK AND NEEDLES; Melnick-Needles Syndrome (FLNA-MNS). Identifiers: Orphanet 2484, MedGen C0025237, MONDO:0010650, OMIM 309350.

Allele frequency attached by ClinVar (database versions not stated): ExAC 0.00001; gnomAD 0.00001; gnomAD exomes below 0.00001; TOPMed 0.00002.
gnomAD v4.1: 3 of 1,210,633 alleles (0.00025%); highest among the groups gnomAD compares: African/African-American, 0.0052%; no homozygotes.

Submissions (8):

Labcorp Genetics (formerly Invitae), Labcorp
Classification: Benign for Oto-palato-digital syndrome, type II; Heterotopia, periventricular, X-linked dominant; Frontometaphyseal dysplasia; Melnick-Needles syndrome. Last evaluated: 2025-07-14. Review status: criteria provided, single submitter. Criteria: Invitae Variant Classification Sherloc (09022015). Collection method: clinical testing. Allele origin: germline.

GeneDx
Classification: Uncertain significance. Last evaluated: 2024-08-02. Review status: criteria provided, single submitter. Criteria: GeneDx Variant Classification Process June 2021. Collection method: clinical testing. Allele origin: germline.
Comment: Not observed at significant frequency in large population cohorts (gnomAD); In silico analysis supports that this missense variant has a deleterious effect on protein structure/function; Has not been previously published as pathogenic or benign to our knowledge

Dr. Peter K. Rogan Lab, Western University
No classification provided (evidence only). Condition: Thyroid cancer, nonmedullary, 1. Review status: no classification provided. Collection method: in vitro. Allele origin: not applicable. Functional consequence: retained intron. Not counted in ClinVar's aggregate classification.

Dr. Peter K. Rogan Lab, Western University
No classification provided (evidence only). Condition: Thyroid cancer, nonmedullary, 1. Review status: no classification provided. Collection method: in vitro. Allele origin: not applicable. Functional consequence: retained intron. Not counted in ClinVar's aggregate classification.

Dr. Peter K. Rogan Lab, Western University
No classification provided (evidence only). Condition: Thyroid cancer, nonmedullary, 1. Review status: no classification provided. Collection method: in vitro. Allele origin: not applicable. Functional consequence: retained intron. Not counted in ClinVar's aggregate classification.

Dr. Peter K. Rogan Lab, Western University
No classification provided (evidence only). Condition: Thyroid cancer, nonmedullary, 1. Review status: no classification provided. Collection method: in vitro. Allele origin: not applicable. Functional consequence: retained intron. Not counted in ClinVar's aggregate classification.

Dr. Peter K. Rogan Lab, Western University
No classification provided (evidence only). Condition: Thyroid cancer, nonmedullary, 1. Review status: no classification provided. Collection method: in vitro. Allele origin: not applicable. Functional consequence: retained intron. Not counted in ClinVar's aggregate classification.

Dr. Peter K. Rogan Lab, Western University
No classification provided (evidence only). Condition: Nonpapillary renal cell carcinoma. Review status: no classification provided. Collection method: in vitro. Allele origin: not applicable. Functional consequence: retained intron. Not counted in ClinVar's aggregate classification.

NM_001110556.2(FLNA):c.1601G>T (p.Gly534Val)

Gene: FLNA (filamin A; minus strand). Cytogenetic location: Xq28.
Variant type: single nucleotide variant.
Coding change: c.1601G>T on transcript NM_001110556.2 (MANE Select); coding-DNA position 1601, G replaced by T.
Protein change: p.Gly534Val; replaces glycine 534 with valine.
Molecular consequence: missense variant.
Genome position (GRCh38, 1-based): chrX:154,365,226, C>A on the plus strand (G>T on the coding strand, the complement: FLNA is on the minus strand). VCF-style: chrX-154365226-C-A. GRCh37 (hg19) VCF-style: chrX-153593594-C-A.
Other names: c.1601G>T (NM_001456.3); c.1601G>T, p.Gly534Val (NM_001456.4); short protein forms G534V.
Identifiers: ClinVar variation 2153557 (VCV002153557.9), dbSNP rs781850599, ClinGen allele CA10561140.